The following is an entry in ClinVar:

NM_001374736.1(DST):c.12113A>G (p.Asn4038Ser)

Gene: DST (dystonin; minus strand). Cytogenetic location: 6p12.1.
Variant type: single nucleotide variant.
Coding change: c.12113A>G on transcript NM_001374736.1 (MANE Select); coding-DNA position 12113, A replaced by G.
Protein change: p.Asn4038Ser; replaces asparagine 4038 with serine.
Molecular consequence: missense variant.
Genome position (GRCh38, 1-based): chr6:56,597,822, T>C on the plus strand (A>G on the coding strand, the complement: DST is on the minus strand). VCF-style: chr6-56597822-T-C. GRCh37 (hg19) VCF-style: chr6-56462620-T-C.
Other names: c.5756A>G (NM_001144769.2); c.5222A>G, p.Asn1741Ser (NM_183380.4, NM_001374730.1, NM_001386100.1); c.5756A>G, p.Asn1919Ser (NM_001144769.5); c.5342A>G, p.Asn1781Ser (NM_001144770.2); c.12113A>G, p.Asn4038Ser (NM_001374722.1); c.11480A>G, p.Asn3827Ser (NM_001374729.1); c.12140A>G, p.Asn4047Ser (NM_001374734.1); c.4244A>G, p.Asn1415Ser (NM_015548.5); short protein forms N3827S, N4038S, N1415S, N1741S, N1781S, N1919S, N4047S.
Identifiers: ClinVar variation 1439482 (VCV001439482.4), dbSNP rs1277492242, ClinGen allele CA364528450.

ClinVar aggregate classification (germline): Uncertain significance. Review status: criteria provided, multiple submitters, no conflicts (2 of 4 stars). 2 submissions from 2 submitters: Uncertain significance (2). Last evaluated 2026-02-17.

Conditions:
DST-related disorder. Also called: DST-related condition; DST-related disorders.
Epidermolysis bullosa simplex 3, localized or generalized intermediate, with BP230 deficiency (EBS3). Also called: Epidermolysis bullosa simplex, autosomal recessive 2; Epidermolysis bullosa simplex due to BP230 deficiency. Identifiers: Orphanet 412181, MedGen C3809470, MONDO:0014180, OMIM 615425.
Hereditary sensory and autonomic neuropathy type 6. Also called: HSAN VI; Neuropathy, hereditary sensory and autonomic, type VI. Identifiers: Orphanet 314381, MedGen C3539003, MONDO:0013839, OMIM 614653.

Allele frequency attached by ClinVar (database versions not stated): gnomAD 0.00001; TOPMed 0.00001.
gnomAD v4.1: 22 of 1,613,860 alleles (0.0014%); highest among the groups gnomAD compares: Non-Finnish European, 0.0016%; no homozygotes.

Submissions (2):

PreventionGenetics, part of Exact Sciences
Classification: Uncertain significance for DST-related condition. Last evaluated: 2026-02-17. Review status: criteria provided, single submitter. Criteria: ACMG Guidelines, 2015. Collection method: clinical testing. Allele origin: germline.
Comment: The DST c.5756A>G variant is predicted to result in the amino acid substitution p.Asn1919Ser. To our knowledge, this variant has not been reported in the literature or in a large population database (gnomAD), indicating this variant is rare. At this time, the clinical significance of this variant is uncertain due to the absence of conclusive functional and genetic evidence.

Labcorp Genetics (formerly Invitae), Labcorp
Classification: Uncertain significance for Epidermolysis bullosa simplex 3, localized or generalized intermediate, with BP230 deficiency; Hereditary sensory and autonomic neuropathy type 6. Last evaluated: 2021-08-28. Review status: criteria provided, single submitter. Criteria: Invitae Variant Classification Sherloc (09022015). Collection method: clinical testing. Allele origin: germline.